The following is an entry in ClinVar:

ClinVar aggregate classification (germline): Uncertain significance (1 of 4 stars; one submission).

Conditions:
DiGeorge syndrome. Also called: THIRD AND FOURTH PHARYNGEAL POUCH SYNDROME; Catch22. Identifiers: Orphanet 567, MedGen C0012236, MONDO:0008564, OMIM 188400.

Allele frequency attached by ClinVar (database versions not stated): gnomAD 0.00001; TOPMed 0.00001; gnomAD exomes 0.00002.
gnomAD v4.1: 5 of 1,552,486 alleles (0.00032%); highest among the groups gnomAD compares: Admixed American, 0.0072%; no homozygotes.

Submission:

Labcorp Genetics (formerly Invitae), Labcorp
Classification: Uncertain significance for DiGeorge syndrome. Last evaluated: 2022-08-19. Review status: criteria provided, single submitter. Criteria: Invitae Variant Classification Sherloc (09022015). Collection method: clinical testing. Allele origin: germline.
Comment: The frequency data for this variant in the population databases is considered unreliable, as metrics indicate poor data quality at this position in the gnomAD database. This sequence change replaces tyrosine, which is neutral and polar, with cysteine, which is neutral and slightly polar, at codon 423 of the TBX1 protein (p.Tyr423Cys). This variant has not been reported in the literature in individuals affected with TBX1-related conditions. ClinVar contains an entry for this variant (Variation ID: 948937). Algorithms developed to predict the effect of missense changes on protein structure and function are either unavailable or do not agree on the potential impact of this missense change (SIFT: "Deleterious"; PolyPhen-2: "Probably Damaging"; Align-GVGD: "Class C0"). In summary, the available evidence is currently insufficient to determine the role of this variant in disease. Therefore, it has been classified as a Variant of Uncertain Significance.

NM_001379200.1(TBX1):c.1295A>G (p.Tyr432Cys)

Gene: TBX1 (T-box transcription factor 1; plus strand). Cytogenetic location: 22q11.21.
Variant type: single nucleotide variant.
Coding change: c.1295A>G on transcript NM_001379200.1 (MANE Select); coding-DNA position 1295, A replaced by G.
Protein change: p.Tyr432Cys; replaces tyrosine 432 with cysteine.
Molecular consequence: missense variant. On other transcripts: intron variant (2).
Genome position (GRCh38, 1-based): chr22:19,766,647, A>G. VCF-style: chr22-19766647-A-G. GRCh37 (hg19) VCF-style: chr22-19754170-A-G.
Other names: c.1268A>G, p.Tyr423Cys (NM_080647.1); c.1009+645A>G (NM_005992.1, NM_080646.2); short protein forms Y423C, Y432C.
Identifiers: ClinVar variation 948937 (VCV000948937.9), dbSNP rs1163307521, ClinGen allele CA410684874.